The following is an entry in ClinVar:

NM_001005242.3(PKP2):c.1915A>G (p.Ile639Val)

Gene: PKP2 (plakophilin 2; minus strand). Cytogenetic location: 12p11.21.
Variant type: single nucleotide variant.
Coding change: c.1915A>G on transcript NM_001005242.3 (MANE Select); coding-DNA position 1915, A replaced by G.
Protein change: p.Ile639Val; replaces isoleucine 639 with valine.
Molecular consequence: missense variant.
Genome position (GRCh38, 1-based): chr12:32,821,454, T>C on the plus strand (A>G on the coding strand, the complement: PKP2 is on the minus strand). VCF-style: chr12-32821454-T-C. GRCh37 (hg19) VCF-style: chr12-32974388-T-C.
Other names: c.1915A>G, p.Ile639Val (NM_001407155.1, NM_001407161.1); c.1750A>G, p.Ile584Val (NM_001407156.1); c.2047A>G, p.Ile683Val (NM_001407157.1, NM_004572.4); c.1588A>G, p.Ile530Val (NM_001407158.1, NM_001407159.1, NM_001407160.1 and 1 more transcripts); short protein forms I530V, I584V, I639V, I683V.
Identifiers: ClinVar variation 4757104 (VCV004757104.1).

ClinVar aggregate classification (germline): Uncertain significance (1 of 4 stars; one submission).

Conditions:
Cardiomyopathy (CMYO). Also called: Cardiomyopathies. Identifiers: Orphanet 167848, MedGen C0878544, MONDO:0004994, HP:0001638. Inheritance: Various modes of inheritance.

gnomAD v4.1: 3 of 1,614,084 alleles (0.00019%); highest among the groups gnomAD compares: East Asian, 0.0067%; no homozygotes.

Submission:

Color Diagnostics, LLC DBA Color Health
Classification: Uncertain significance for Cardiomyopathy. Last evaluated: 2025-06-23. Review status: criteria provided, single submitter. Criteria: ACMG Guidelines, 2015. Collection method: clinical testing. Allele origin: germline.
Comment: This missense variant replaces isoleucine with valine at codon 683 of the PKP2 protein. Computational prediction suggests that this variant may not impact protein structure and function. To our knowledge, functional studies have not been reported for this variant. This variant has not been reported in individuals affected with PKP2-related disorders in the literature. This variant has not been identified in the general population by the Genome Aggregation Database (gnomAD). The available evidence is insufficient to determine the role of this variant in disease conclusively. Therefore, this variant is classified as a Variant of Uncertain Significance.